The following is an entry in ClinVar:

NM_201525.4(ADGRG1):c.1327del (p.Leu443fs)

Gene: ADGRG1 (adhesion G protein-coupled receptor G1; plus strand). Cytogenetic location: 16q21.
Variant type: Deletion.
Coding change: c.1327del on transcript NM_201525.4 (MANE Select); coding-DNA position 1327, one base deleted (C; older notation c.1327delC).
Protein change: p.Leu443fs; shifts the reading frame from leucine 443.
Molecular consequence: frameshift variant.
Genome position (GRCh38, 1-based): chr16:57,659,453, C deleted; the last of 2 consecutive C bases (chr16:57,659,452-57,659,453); deleting either gives the same sequence. VCF-style (leftmost placement, unchanged base first): chr16-57659451-AC-A. GRCh37 (hg19) VCF-style: chr16-57693363-AC-A.
Other names: c.1327del, p.Leu443fs (NM_001145770.3, NM_001145772.3, NM_001145774.3 and 7 more transcripts); c.1345del, p.Leu449fs (NM_001145771.3, NM_001370428.1, NM_001370429.1 and 4 more transcripts); c.1342del, p.Leu448fs (NM_001145773.3, NM_001370433.1, NM_001370434.1); c.835del, p.Leu279fs (NM_001290142.2); c.820del, p.Leu274fs (NM_001290143.2); c.802del, p.Leu268fs (NM_001290144.2, NM_001370451.1, NM_001370453.1 and 1 more transcripts); c.1324del, p.Leu442fs (NM_001370441.1); c.1171del, p.Leu391fs (NM_001370442.1); short protein forms L274fs, L391fs, L442fs, L448fs, L268fs, L279fs, L443fs, L449fs.
Identifiers: ClinVar variation 1460403 (VCV001460403.6), dbSNP rs2148531451, ClinGen allele CA2573152472.

ClinVar aggregate classification (germline): Pathogenic (1 of 4 stars; one submission).

Submission:

Labcorp Genetics (formerly Invitae), Labcorp
Classification: Pathogenic. Last evaluated: 2021-08-22. Review status: criteria provided, single submitter. Criteria: Invitae Variant Classification Sherloc (09022015). Collection method: clinical testing. Allele origin: germline.
Comment: For these reasons, this variant has been classified as Pathogenic. This variant has not been reported in the literature in individuals affected with ADGRG1-related conditions. This variant is not present in population databases (ExAC no frequency). This sequence change creates a premature translational stop signal (p.Leu449Cysfs*20) in the ADGRG1 gene. It is expected to result in an absent or disrupted protein product. Loss-of-function variants in ADGRG1 are known to be pathogenic (PMID: 15044805, 20929962).

Literature cited by the submitters: PubMed 15044805; PubMed 20929962.